The following is an entry in ClinVar:

ClinVar aggregate classification (germline): Uncertain significance. Review status: criteria provided, multiple submitters, no conflicts (2 of 4 stars). 2 submissions from 2 submitters: Uncertain significance (2). Last evaluated 2024-10-11.

Allele frequency attached by ClinVar (database versions not stated): gnomAD exomes below 0.00001; TOPMed below 0.00001; ExAC 0.00001; gnomAD 0.00001.
gnomAD v4.1: 2 of 1,613,998 alleles (0.00012%); highest among the groups gnomAD compares: Non-Finnish European, 0.00017%; no homozygotes.

Submissions (2):

Blueprint Genetics
Classification: Uncertain significance. Last evaluated: 2024-10-11. Review status: criteria provided, single submitter. Criteria: ACMG Guidelines, 2015. Collection method: clinical testing. Allele origin: germline.

Labcorp Genetics (formerly Invitae), Labcorp
Classification: Uncertain significance. Last evaluated: 2023-05-23. Review status: criteria provided, single submitter. Criteria: Invitae Variant Classification Sherloc (09022015). Collection method: clinical testing. Allele origin: germline.
Comment: In summary, the available evidence is currently insufficient to determine the role of this variant in disease. Therefore, it has been classified as a Variant of Uncertain Significance. Advanced modeling of protein sequence and biophysical properties (such as structural, functional, and spatial information, amino acid conservation, physicochemical variation, residue mobility, and thermodynamic stability) performed at Invitae indicates that this missense variant is expected to disrupt SEMA4A protein function. This variant has not been reported in the literature in individuals affected with SEMA4A-related conditions. This variant is present in population databases (rs774707164, gnomAD 0.0009%). This sequence change replaces aspartic acid, which is acidic and polar, with asparagine, which is neutral and polar, at codon 511 of the SEMA4A protein (p.Asp511Asn).

NM_022367.4(SEMA4A):c.1531G>A (p.Asp511Asn)

Gene: SEMA4A (semaphorin 4A; plus strand). Cytogenetic location: 1q22.
Variant type: single nucleotide variant.
Coding change: c.1531G>A on transcript NM_022367.4 (MANE Select); coding-DNA position 1531, G replaced by A.
Protein change: p.Asp511Asn; replaces aspartic acid 511 with asparagine.
Molecular consequence: missense variant.
Genome position (GRCh38, 1-based): chr1:156,175,182, G>A. VCF-style: chr1-156175182-G-A. GRCh37 (hg19) VCF-style: chr1-156144973-G-A.
Other names: c.1531G>A, p.Asp511Asn (NM_001193300.2, NM_001193301.2, NM_001370567.1); c.1135G>A, p.Asp379Asn (NM_001193302.2); c.1234G>A, p.Asp412Asn (NM_001370568.1); c.1024G>A, p.Asp342Asn (NM_001370569.1, NM_001370571.1); short protein forms D342N, D412N, D379N, D511N.
Identifiers: ClinVar variation 2785267 (VCV002785267.4), dbSNP rs774707164, ClinGen allele CA1155390.